The following is an entry in ClinVar:

NM_017617.5(NOTCH1):c.3909_3919del (p.Cys1304fs)

Gene: NOTCH1 (notch receptor 1; minus strand). Cytogenetic location: 9q34.3.
Variant type: Deletion.
Coding change: c.3909_3919del on transcript NM_017617.5 (MANE Select); coding-DNA positions 3909 to 3919, 11 bases deleted (CTGCGAGTCCG).
Protein change: p.Cys1304fs; shifts the reading frame from cysteine 1304.
Molecular consequence: frameshift variant.
Genome position (GRCh38, 1-based): chr9:136,506,622-136,506,632, CGGACTCGCAG deleted on the plus strand (CTGCGAGTCCG on the coding strand, the reverse complement: NOTCH1 is on the minus strand); deleting any 11 consecutive bases within chr9:136,506,622-136,506,635 gives the same sequence; the c. name uses the placement nearest the transcript's 3' end. VCF-style (leftmost placement, unchanged base first): chr9-136506621-ACGGACTCGCAG-A. GRCh37 (hg19) VCF-style: chr9-139401073-ACGGACTCGCAG-A.
Other names: short protein forms C1304fs.
Identifiers: ClinVar variation 3880477 (VCV003880477.1).
Genomic context (GRCh38, chr9:136,506,621, plus strand): 5'-TTGGAGGCCACGGCGCAGGTGCCCCCATTCTTGCAGGGCTTGCCTTTGCAGCCATTGATG[ACGGACTCGCAG>A]CGGCGCCCTAGGGGTAAGAGCAGGGCAGTGAGAGGCTCACCCTGCTGCCCCACACGCCCC-3'

ClinVar aggregate classification (germline): Pathogenic (1 of 4 stars; one submission).

Conditions:
Familial thoracic aortic aneurysm and aortic dissection (TAAD). Also called: Thoracic aortic aneurysms and dissections. Identifiers: Orphanet 91387, MedGen C4707243, MONDO:0019625.

Submission:

Ambry Genetics
Classification: Pathogenic for Familial thoracic aortic aneurysm and aortic dissection. Last evaluated: 2025-01-15. Review status: criteria provided, single submitter. Criteria: Ambry Variant Classification Scheme 2023. Collection method: clinical testing. Allele origin: germline.
Comment: The c.3909_3919del11 pathogenic mutation, located in coding exon 24 of the NOTCH1 gene, results from a deletion of 11 nucleotides at nucleotide positions 3909 to 3919, causing a translational frameshift with a predicted alternate stop codon (p.C1304Hfs*39). This variant is considered to be rare based on population cohorts in the Genome Aggregation Database (gnomAD). This alteration is expected to result in loss of function by premature protein truncation or nonsense-mediated mRNA decay. As such, this alteration is interpreted as a disease-causing mutation.